The following is an entry in ClinVar:

NM_001148.6(ANK2):c.2277+49C>T

Gene: ANK2 (ankyrin 2; plus strand). Cytogenetic location: 4q26.
Variant type: single nucleotide variant.
Coding change: c.2277+49C>T on transcript NM_001148.6 (MANE Select); 49 bases into the intron after coding-DNA position 2277, C replaced by T.
Molecular consequence: intron variant.
Genome position (GRCh38, 1-based): chr4:113,288,535, C>T. VCF-style: chr4-113288535-C-T. GRCh37 (hg19) VCF-style: chr4-114209691-C-T.
Other names: c.2265+49C>T (NM_001386186.2, NM_001386148.2); c.2067+49C>T (NM_001354269.3); c.2241+49C>T (NM_001386187.2); c.2235+49C>T (NM_001386147.1, NM_001386160.1, NM_001354261.2); c.2214+49C>T (NM_001354254.2, NM_001354239.2, NM_001354252.2 and 10 more transcripts); c.2115+49C>T (NM_001354253.2, NM_001354270.2, NM_001354257.2 and 1 more transcripts); c.2190+49C>T (NM_001354249.2, NM_001354266.2, NM_001354276.2 and 10 more transcripts); c.2091+49C>T (NM_001386151.1, NM_001354260.2, NM_001354271.2); and 8 more.
Identifiers: ClinVar variation 671954 (VCV000671954.2), dbSNP rs29357, ClinGen allele CA3050505.
Genomic context (GRCh38, chr4:113,288,535, plus strand): 5'-GCAAAAACCAAGGTAAAGTACTTGTGGTCATTTTCAATTCCTATAAGCAAAAAGGTTCAG[C>T]CATCTGGATGCTTCACTAGTTTACCAAAGCTACAAGTGTATTTTTTTCTTCCTTTTTAGT-3'

ClinVar aggregate classification (germline): Benign. Review status: criteria provided, multiple submitters, no conflicts (2 of 4 stars). 2 submissions from 2 submitters: Benign (2). Last evaluated 2018-06-14.

Allele frequency attached by ClinVar (database versions not stated): 1000 Genomes Project 30x 0.07792; ESP Exome Variant Server 0.07836; TOPMed 0.07895; 1000 Genomes Project 0.07907; gnomAD 0.08811; ExAC 0.10623; gnomAD exomes 0.10703 and 0.11343.
gnomAD v4.1: 162,839 of 1,474,462 alleles (11%); highest among the groups gnomAD compares: Non-Finnish European, 11%; 9,460 homozygotes.

Submissions (2):

GeneDx
Classification: Benign. Last evaluated: 2018-06-14. Review status: criteria provided, single submitter. Criteria: GeneDx Variant Classification (06012015). Collection method: clinical testing. Allele origin: germline. Affected: yes.
Comment: This variant is considered likely benign or benign based on one or more of the following criteria: it is a conservative change, it occurs at a poorly conserved position in the protein, it is predicted to be benign by multiple in silico algorithms, and/or has population frequency not consistent with disease.

Breakthrough Genomics
Classification: Benign. Review status: criteria provided, single submitter. Criteria: ACMG Guidelines, 2015. Collection method: not provided. Allele origin: germline. Inheritance: Autosomal dominant inheritance. Affected: yes.